The following is an entry in ClinVar:

ClinVar aggregate classification (germline): Uncertain significance (1 of 4 stars; one submission).

Conditions:
LAMA2-related muscular dystrophy (LAMA2-RD). Also called: Laminin alpha 2-related dystrophy. Identifiers: MedGen C5679788, MONDO:0100228.

Submission:

Labcorp Genetics (formerly Invitae), Labcorp
Classification: Uncertain significance for LAMA2-related muscular dystrophy. Last evaluated: 2022-03-16. Review status: criteria provided, single submitter. Criteria: Invitae Variant Classification Sherloc (09022015). Collection method: clinical testing. Allele origin: germline.
Comment: This sequence change replaces leucine, which is neutral and non-polar, with phenylalanine, which is neutral and non-polar, at codon 2222 of the LAMA2 protein (p.Leu2222Phe). This variant is not present in population databases (gnomAD no frequency). This variant has not been reported in the literature in individuals affected with LAMA2-related conditions. Advanced modeling of protein sequence and biophysical properties (such as structural, functional, and spatial information, amino acid conservation, physicochemical variation, residue mobility, and thermodynamic stability) performed at Invitae indicates that this missense variant is not expected to disrupt LAMA2 protein function. In summary, the available evidence is currently insufficient to determine the role of this variant in disease. Therefore, it has been classified as a Variant of Uncertain Significance.

NM_000426.4(LAMA2):c.6666G>C (p.Leu2222Phe)

Gene: LAMA2 (laminin subunit alpha 2; plus strand). Cytogenetic location: 6q22.33.
Variant type: single nucleotide variant.
Coding change: c.6666G>C on transcript NM_000426.4 (MANE Select); coding-DNA position 6666, G replaced by C.
Protein change: p.Leu2222Phe; replaces leucine 2222 with phenylalanine.
Molecular consequence: missense variant.
Genome position (GRCh38, 1-based): chr6:129,454,247, G>C. VCF-style: chr6-129454247-G-C. GRCh37 (hg19) VCF-style: chr6-129775392-G-C.
Other names: c.6666G>C, p.Leu2222Phe (NM_001079823.2); short protein forms L2222F.
Identifiers: ClinVar variation 1903326 (VCV001903326.2), dbSNP rs772358536, ClinGen allele CA365617187.